The following is an entry in ClinVar:

NM_017636.4(TRPM4):c.3341C>G (p.Ser1114Cys)

Gene: TRPM4 (transient receptor potential cation channel subfamily M member 4; plus strand). Cytogenetic location: 19q13.33.
Variant type: single nucleotide variant.
Coding change: c.3341C>G on transcript NM_017636.4 (MANE Select); coding-DNA position 3341, C replaced by G.
Protein change: p.Ser1114Cys; replaces serine 1114 with cysteine.
Molecular consequence: missense variant.
Genome position (GRCh38, 1-based): chr19:49,210,722, C>G. VCF-style: chr19-49210722-C-G. GRCh37 (hg19) VCF-style: chr19-49713979-C-G.
Other names: c.2906C>G, p.Ser969Cys (NM_001195227.2); c.2996C>G, p.Ser999Cys (NM_001321281.2); c.1733C>G, p.Ser578Cys (NM_001321282.2); c.2819C>G, p.Ser940Cys (NM_001321283.2); c.2279C>G, p.Ser760Cys (NM_001321285.2); short protein forms S969C, S760C, S940C, S578C, S999C, S1114C.
Identifiers: ClinVar variation 3811041 (VCV003811041.1).
Genomic context (GRCh38, chr19:49,210,722, plus strand): 5'-TTGGGAAGGGGCGTGGCCTGAGCCCTTTGACTCCGCCCGCCCCTGCAGGGGTTTACCTTT[C>G]TAAGGAAGCCGAGCGGAAGCTGCTAACGTGGGAATCGGTGCATAAGGAGAACTTTCTGCT-3'
Protein context (NP_060106.2, residues 1104-1124): PALEHFRVYL[Ser1114Cys]KEAERKLLTW

ClinVar aggregate classification (germline): Uncertain significance (1 of 4 stars; one submission).

Conditions:
Cardiovascular phenotype. Identifiers: MedGen CN230736.

Submission:

Ambry Genetics
Classification: Uncertain significance for Cardiovascular phenotype. Last evaluated: 2024-12-31. Review status: criteria provided, single submitter. Criteria: Ambry Variant Classification Scheme 2023. Collection method: clinical testing. Allele origin: germline.
Comment: The p.S1114C variant (also known as c.3341C>G), located in coding exon 22 of the TRPM4 gene, results from a C to G substitution at nucleotide position 3341. The serine at codon 1114 is replaced by cysteine, an amino acid with dissimilar properties. This amino acid position is conserved. In addition, this alteration is predicted to be tolerated by in silico analysis. Based on the available evidence, the clinical significance of this variant remains unclear.